The following is an entry in ClinVar:

NM_000376.3(VDR):c.1104_1105inv (p.Cys369Gly)

Gene: VDR (vitamin D receptor; minus strand). Cytogenetic location: 12q13.11.
Variant type: Inversion.
Coding change: c.1104_1105inv on transcript NM_000376.3 (MANE Select).
Protein change: p.Cys369Gly; replaces cysteine 369 with glycine.
Molecular consequence: missense variant.
Genome position: GRCh38 VCF-style: chr12-47844925-AG-CT. GRCh37 (hg19) VCF-style: chr12-48238708-AG-CT.
Other names: c.1104_1105inv, p.Cys369Gly (NM_001017535.2, NM_001364085.2, NM_001374661.1 and 1 more transcripts); c.1254_1255inv, p.Cys419Gly (NM_001017536.2); c.1104_1105delinsAG (NM_001017535.1); short protein forms C369G, C419G.
Identifiers: ClinVar variation 1017357 (VCV001017357.6), ClinGen allele CA2499221643.

ClinVar aggregate classification (germline): Uncertain significance (1 of 4 stars; one submission).

Conditions:
Vitamin D-dependent rickets type II with alopecia (VDDR2A). Also called: GENERALIZED RESISTANCE TO 1,25-DIHYDROXYVITAMIN D; HYPOCALCEMIC VITAMIN D-RESISTANT RICKETS; PDDR IIA; PSEUDOVITAMIN D-DEFICIENCY, TYPE IIA; RICKETS, HEREDITARY VITAMIN D-RESISTANT; RICKETS-ALOPECIA SYNDROME. Identifiers: Orphanet 93160, MedGen C0342646, MONDO:0010186, OMIM 277440.

Submission:

Labcorp Genetics (formerly Invitae), Labcorp
Classification: Uncertain significance. Last evaluated: 2021-07-14. Review status: criteria provided, single submitter. Criteria: Invitae Variant Classification Sherloc (09022015). Collection method: clinical testing. Allele origin: germline.